The following is an entry in ClinVar:

ClinVar aggregate classification (germline): Uncertain significance (1 of 4 stars; one submission).

Conditions:
Inflammatory bowel disease 28. Also called: Inflammatory bowel disease 28, early onset, autosomal recessive. Identifiers: Orphanet 238569, MedGen C2751053, MONDO:0013153, OMIM 613148.

Submission:

Labcorp Genetics (formerly Invitae), Labcorp
Classification: Uncertain significance for Inflammatory bowel disease 28. Last evaluated: 2022-04-23. Review status: criteria provided, single submitter. Criteria: Invitae Variant Classification Sherloc (09022015). Collection method: clinical testing. Allele origin: germline.
Comment: In summary, the available evidence is currently insufficient to determine the role of this variant in disease. Therefore, it has been classified as a Variant of Uncertain Significance. Algorithms developed to predict the effect of missense changes on protein structure and function (SIFT, PolyPhen-2, Align-GVGD) all suggest that this variant is likely to be disruptive. This variant has not been reported in the literature in individuals affected with IL10RA-related conditions. This variant is not present in population databases (gnomAD no frequency). This sequence change replaces glycine, which is neutral and non-polar, with arginine, which is basic and polar, at codon 216 of the IL10RA protein (p.Gly216Arg).

NM_001558.4(IL10RA):c.646G>A (p.Gly216Arg)

Gene: IL10RA (interleukin 10 receptor subunit alpha; plus strand). Cytogenetic location: 11q23.3.
Variant type: single nucleotide variant.
Coding change: c.646G>A on transcript NM_001558.4 (MANE Select); coding-DNA position 646, G replaced by A.
Protein change: p.Gly216Arg; replaces glycine 216 with arginine.
Molecular consequence: missense variant. On other transcripts: non-coding transcript variant (1).
Genome position (GRCh38, 1-based): chr11:117,994,107, G>A. VCF-style: chr11-117994107-G-A. GRCh37 (hg19) VCF-style: chr11-117864822-G-A.
Other names: short protein forms G216R.
Identifiers: ClinVar variation 2129745 (VCV002129745.4), dbSNP rs2496782728, ClinGen allele CA382775879.